The following is an entry in ClinVar:

ClinVar aggregate classification (germline): Uncertain significance (1 of 4 stars; one submission).

Conditions:
Peroxisome biogenesis disorder 3A (Zellweger). Also called: PEROXISOMAL BIOGENESIS DISORDER 3A (ZELLWEGER); Peroxisome biogenesis disorder 3A. Identifiers: Orphanet 912, MedGen C3553929, MONDO:0013927, OMIM 614859.

Allele frequency attached by ClinVar (database versions not stated): gnomAD exomes 0.00002 and 0.00004; TOPMed 0.00002; ExAC 0.00003.

Submission:

Labcorp Genetics (formerly Invitae), Labcorp
Classification: Uncertain significance for Peroxisome biogenesis disorder 3A (Zellweger). Last evaluated: 2024-01-08. Review status: criteria provided, single submitter. Criteria: Invitae Variant Classification Sherloc (09022015). Collection method: clinical testing. Allele origin: germline.
Comment: This sequence change replaces methionine, which is neutral and non-polar, with valine, which is neutral and non-polar, at codon 221 of the PEX12 protein (p.Met221Val). This variant is present in population databases (rs764839291, gnomAD 0.03%). This variant has not been reported in the literature in individuals affected with PEX12-related conditions. ClinVar contains an entry for this variant (Variation ID: 965636). An algorithm developed to predict the effect of missense changes on protein structure and function (PolyPhen-2) suggests that this variant¬†is likely to be tolerated. In summary, the available evidence is currently insufficient to determine the role of this variant in disease. Therefore, it has been classified as a Variant of Uncertain Significance.

NM_000286.3(PEX12):c.661A>G (p.Met221Val)

Gene: PEX12 (peroxisomal biogenesis factor 12; minus strand). Cytogenetic location: 17q12.
Variant type: single nucleotide variant.
Coding change: c.661A>G on transcript NM_000286.3 (MANE Select); coding-DNA position 661, A replaced by G.
Protein change: p.Met221Val; replaces methionine 221 with valine.
Molecular consequence: missense variant.
Genome position (GRCh38, 1-based): chr17:35,577,057, T>C on the plus strand (A>G on the coding strand, the complement: PEX12 is on the minus strand). VCF-style: chr17-35577057-T-C. GRCh37 (hg19) VCF-style: chr17-33904076-T-C.
Other names: short protein forms M221V.
Identifiers: ClinVar variation 965636 (VCV000965636.7), dbSNP rs764839291, ClinGen allele CA8504877.